The following is an entry in ClinVar:

ClinVar aggregate classification (germline): Uncertain significance (1 of 4 stars; one submission).

Allele frequency attached by ClinVar (database versions not stated): ESP Exome Variant Server 0.00038; gnomAD exomes 0.00006; ExAC 0.00017; gnomAD 0.00041; TOPMed 0.00056.
gnomAD v4.1: 170 of 1,613,736 alleles (0.011%); highest among the groups gnomAD compares: African/African-American, 0.18%; 2 homozygotes.

Submissions (4):

GeneDx
Classification: Uncertain significance. Last evaluated: 2025-06-02. Review status: criteria provided, single submitter. Criteria: GeneDx Variant Classification Process June 2021. Collection method: clinical testing. Allele origin: germline.
Comment: Canonical splice site variant predicted to result in a null allele in a gene for which loss of function is a known mechanism of disease; Has not been previously published as pathogenic or benign to our knowledge

Dr. Peter K. Rogan Lab, Western University
No classification provided (evidence only). Condition: Familial cancer of breast. Review status: no classification provided. Collection method: in vitro. Allele origin: not applicable. Functional consequence: skipped exon. Not counted in ClinVar's aggregate classification.

Dr. Peter K. Rogan Lab, Western University
No classification provided (evidence only). Condition: Uterine corpus endometrial carcinoma. Review status: no classification provided. Collection method: in vitro. Allele origin: not applicable. Functional consequence: skipped exon. Not counted in ClinVar's aggregate classification.

Dr. Peter K. Rogan Lab, Western University
No classification provided (evidence only). Condition: Ovarian serous cystadenocarcinoma. Review status: no classification provided. Collection method: in vitro. Allele origin: not applicable. Functional consequence: retained intron. Not counted in ClinVar's aggregate classification.

NM_014865.4(NCAPD2):c.-23-1G>A

Gene: NCAPD2 (non-SMC condensin I complex subunit D2; plus strand). Cytogenetic location: 12p13.31.
Variant type: single nucleotide variant.
Coding change: c.-23-1G>A on transcript NM_014865.4 (MANE Select); the canonical splice acceptor site of the intron before 23 bases upstream of the start codon, G replaced by A.
Molecular consequence: splice acceptor variant.
Genome position (GRCh38, 1-based): chr12:6,495,075, G>A. VCF-style: chr12-6495075-G-A. GRCh37 (hg19) VCF-style: chr12-6604241-G-A.
Other names: NC_000012.11:g.6604241G>A.
Identifiers: ClinVar variation 1800480 (VCV001800480.3), dbSNP rs371444739, ClinGen allele CA6407902.